The following is an entry in ClinVar:

ClinVar aggregate classification (germline): Pathogenic (1 of 4 stars; one submission).

Conditions:
Fabry disease. Also called: ALPHA-GALACTOSIDASE A DEFICIENCY; ANDERSON-FABRY DISEASE; CERAMIDE TRIHEXOSIDASE DEFICIENCY; GLA DEFICIENCY; HEREDITARY DYSTOPIC LIPIDOSIS; Angiokeratoma corporis diffusum. Identifiers: Orphanet 324, MedGen C0002986, MONDO:0010526, OMIM 301500, HP:0001071. Disease mechanism: Fabry disease is due to inactivating mutations in the X-linked GLA gene resulting in deficiency of the enzyme Alpha Galactosidase-A., loss of function.

Submission:

Genomenon, Inc
Classification: Pathogenic for Fabry disease. Last evaluated: 2026-09-08. Review status: criteria provided, single submitter. Criteria: Genomenon Sequence Variant Interpretation Standards - Updated. Collection method: curation. Allele origin: germline. Affected: yes.
Comment: GLA p.Gly163Ter (c.487G>T) is a nonsense variant that introduces a premature stop codon at amino acid position 163 and is predicted to result in a truncated or absent protein product. This variant has been observed in at least one proband with clinical features consistent with Fabry disease (PMID:33527381). The variant was found to segregate with disease in at least one affected family (PMID:33527381). Functional or patient cell studies have been reported (PMID:33527381). It is absent or not present at a significant frequency in gnomAD. In conclusion, we classify GLA p.Gly163Ter (c.487G>T) as a pathogenic variant.

Literature cited by the submitters: PubMed 33527381.

NM_000169.3(GLA):c.487G>T (p.Gly163Ter)

Genes: GLA (galactosidase alpha; minus strand), RPL36A-HNRNPH2 (RPL36A-HNRNPH2 readthrough; plus strand). Cytogenetic location: Xq22.1.
Variant type: single nucleotide variant.
Coding change: c.487G>T on transcript NM_000169.3 (MANE Select); coding-DNA position 487, G replaced by T.
Protein change: p.Gly163Ter; replaces glycine 163 with a stop codon.
Molecular consequence: nonsense. On other transcripts: non-coding transcript variant (3), intron variant (2).
Genome position (GRCh38, 1-based): chrX:101,401,692, C>A on the plus strand (G>T on the coding strand, the complement: GLA is on the minus strand). VCF-style: chrX-101401692-C-A. GRCh37 (hg19) VCF-style: chrX-100656680-C-A.
Other names: c.610G>T, p.Gly204Ter (NM_001406747.1, NM_001406749.1); c.487G>T, p.Gly163Ter (NM_001406748.1); c.300+6235C>A (NM_001199973.2); c.177+9870C>A (NM_001199974.2); short protein forms G163*, G204*.
Identifiers: ClinVar variation 4087159 (VCV004087159.2).